The following is an entry in ClinVar:

ClinVar aggregate classification (germline): Benign/Likely benign. Review status: criteria provided, multiple submitters, no conflicts (2 of 4 stars). 7 submissions from 7 submitters: Benign (3); Likely benign (4). Last evaluated 2026-01-26.

Conditions:
Primary ciliary dyskinesia. Also called: Ciliary dyskinesia. Identifiers: Orphanet 244, MedGen C0008780, MONDO:0016575, HP:0012265.
Primary ciliary dyskinesia 15. Also called: CILIARY DYSKINESIA, PRIMARY, 15, WITH OR WITHOUT SITUS INVERSUS. Identifiers: Orphanet 244, MedGen C3151137, MONDO:0013435, OMIM 613808.

Allele frequency attached by ClinVar (database versions not stated): gnomAD exomes 0.00037 and 0.00091; ExAC 0.00109; ESP Exome Variant Server 0.00236; gnomAD 0.00331 and 0.00366; 1000 Genomes Project 0.00399; TOPMed 0.00408; 1000 Genomes Project 30x 0.00422.
gnomAD v4.1: 1,078 of 1,612,568 alleles (0.067%); highest among the groups gnomAD compares: African/African-American, 1.2%; 4 homozygotes.

Submissions (7):

Labcorp Genetics (formerly Invitae), Labcorp
Classification: Benign for Primary ciliary dyskinesia. Last evaluated: 2026-01-26. Review status: criteria provided, single submitter. Criteria: Invitae Variant Classification Sherloc (09022015). Collection method: clinical testing. Allele origin: germline.

Mayo Clinic Laboratories, Mayo Clinic
Classification: Benign. Last evaluated: 2025-03-06. Review status: criteria provided, single submitter. Criteria: ACMG Guidelines, 2015. Collection method: clinical testing. Allele origin: germline. Observed: 1 variant allele.
Comment: BS1, BS2, BP4_moderate

Blueprint Genetics
Classification: Likely benign. Last evaluated: 2024-11-06. Review status: criteria provided, single submitter. Criteria: ACMG Guidelines, 2015. Collection method: clinical testing. Allele origin: germline.

CeGaT Center for Human Genetics Tuebingen
Classification: Likely benign. Last evaluated: 2024-11-01. Review status: criteria provided, single submitter. Criteria: CeGaT Center For Human Genetics Tuebingen Variant Classification Criteria Version 2. Collection method: clinical testing. Allele origin: germline. Affected: yes. Observed: 1 variant allele.
Comment: CCDC40: BP4, BS1

ARUP Laboratories, Molecular Genetics and Genomics, ARUP Laboratories
Classification: Likely benign for Primary ciliary dyskinesia 15. Last evaluated: 2023-08-30. Review status: criteria provided, single submitter. Criteria: ARUP Molecular Germline Variant Investigation Process 2024. Collection method: clinical testing. Allele origin: germline.

Ambry Genetics
Classification: Likely benign for Primary ciliary dyskinesia. Last evaluated: 2021-10-04. Review status: criteria provided, single submitter. Criteria: Ambry Variant Classification Scheme 2023. Collection method: clinical testing. Allele origin: germline.

Eurofins Ntd Llc (ga)
Classification: Benign. Last evaluated: 2014-05-07. Review status: criteria provided, single submitter. Criteria: EGL Classification Definitions 2015. Collection method: clinical testing. Allele origin: germline. Observed: 1 variant allele, 1 heterozygote.

NM_017950.4(CCDC40):c.3424T>C (p.Ser1142Pro)

Gene: CCDC40 (coiled-coil domain 40 molecular ruler complex subunit; plus strand). Cytogenetic location: 17q25.3.
Variant type: single nucleotide variant.
Coding change: c.3424T>C on transcript NM_017950.4 (MANE Select); coding-DNA position 3424, T replaced by C.
Protein change: p.Ser1142Pro; replaces serine 1142 with proline.
Molecular consequence: missense variant.
Genome position (GRCh38, 1-based): chr17:80,099,770, T>C. VCF-style: chr17-80099770-T-C. GRCh37 (hg19) VCF-style: chr17-78073569-T-C.
Other names: p.Ser1142Pro; short protein forms S1142P.
Identifiers: ClinVar variation 195521 (VCV000195521.33), dbSNP rs148900528, ClinGen allele CA201803.